The following is an entry in ClinVar:

ClinVar aggregate classification (germline): Pathogenic (1 of 4 stars; one submission).

Submission:

GeneKor MSA
Classification: Pathogenic. Last evaluated: 2020-01-01. Review status: criteria provided, single submitter. Criteria: ACMG Guidelines, 2015. Collection method: clinical testing. Allele origin: germline. Affected: no.
Comment: This variant is a single base pair deletion from exon 4 of the BRIP1 mRNA, causing a frameshift at codon 100. This creates a premature translation stop signal at this position and is expected to result in an absent or disrupted protein product.Truncating variants in BRIP1 are known to be pathogenic (PMID: 16116423, 17033622, 21964575). This variant has been described in the international literature in an individual undergoing panel testing for hereditary syndrome (PMID: 31159747).

NM_032043.3(BRIP1):c.298del (p.Asp99_Met100insTer)

Gene: BRIP1 (BRCA1 interacting helicase 1; minus strand). Cytogenetic location: 17q23.2.
Variant type: Deletion.
Coding change: c.298del on transcript NM_032043.3 (MANE Select); coding-DNA position 298, one base deleted (A; older notation c.298delA).
Protein change: p.Asp99_Met100insTer.
Molecular consequence: nonsense.
Genome position (GRCh38, 1-based): chr17:61,857,139, T deleted on the plus strand (A on the coding strand, the reverse complement: BRIP1 is on the minus strand). VCF-style (leftmost placement, unchanged base first): chr17-61857138-AT-A. GRCh37 (hg19) VCF-style: chr17-59934499-AT-A.
Other names: c.298delA (NM_032043.2).
Identifiers: ClinVar variation 584465 (VCV000584465.2), dbSNP rs1567874779, ClinGen allele CA891844432.